The following is an entry in ClinVar:

NM_000089.4(COL1A2):c.1109G>T (p.Gly370Val)

Gene: COL1A2 (collagen type I alpha 2 chain; plus strand). Cytogenetic location: 7q21.3.
Variant type: single nucleotide variant.
Coding change: c.1109G>T on transcript NM_000089.4 (MANE Select); coding-DNA position 1109, G replaced by T.
Protein change: p.Gly370Val; replaces glycine 370 with valine.
Molecular consequence: missense variant.
Genome position (GRCh38, 1-based): chr7:94,410,439, G>T. VCF-style: chr7-94410439-G-T. GRCh37 (hg19) VCF-style: chr7-94039751-G-T.
Other names: short protein forms G370V.
Identifiers: ClinVar variation 451709 (VCV000451709.7), dbSNP rs72658104, ClinGen allele CA368221175.

ClinVar aggregate classification (germline): Pathogenic. Review status: criteria provided, multiple submitters, no conflicts (2 of 4 stars). 2 submissions from 2 submitters: Pathogenic (2). Last evaluated 2022-09-15.

Conditions:
Ehlers-Danlos syndrome, classic type, 1 (EDSCL1). Also called: EHLERS-DANLOS SYNDROME, GRAVIS TYPE; EHLERS-DANLOS SYNDROME, SEVERE CLASSIC TYPE; EDS I; Ehlers-Danlos Syndrome, Classic Type, COL5A1-Related; Ehlers-Danlos syndrome, type 1. Identifiers: MedGen C0268335, MONDO:0019567, OMIM 130000.
Osteogenesis imperfecta type I (OI1). Also called: OI, TYPE I; OSTEOGENESIS IMPERFECTA TARDA; OSTEOGENESIS IMPERFECTA WITH BLUE SCLERAE; Classic Non-deforming Osteogenesis Imperfecta with Blue Sclerae; Lobstein disease; Osteogenesis imperfecta type 1. Identifiers: Orphanet 216796, Orphanet 666, MedGen C0023931, MONDO:0008146, OMIM 166200. Disease mechanism: loss of function.

Submissions (2):

Labcorp Genetics (formerly Invitae), Labcorp
Classification: Pathogenic for Osteogenesis imperfecta type I; Ehlers-Danlos syndrome, classic type, 1. Last evaluated: 2022-09-15. Review status: criteria provided, single submitter. Criteria: Invitae Variant Classification Sherloc (09022015). Collection method: clinical testing. Allele origin: germline.
Comment: This sequence change replaces glycine, which is neutral and non-polar, with valine, which is neutral and non-polar, at codon 370 of the COL1A2 protein (p.Gly370Val). This variant is not present in population databases (gnomAD no frequency). This missense change has been observed in individual(s) with autosomal dominant osteogenesis imperfecta (Invitae). ClinVar contains an entry for this variant (Variation ID: 451709). Advanced modeling of protein sequence and biophysical properties (such as structural, functional, and spatial information, amino acid conservation, physicochemical variation, residue mobility, and thermodynamic stability) performed at Invitae indicates that this missense variant is expected to disrupt COL1A2 protein function. This variant disrupts the triple helix domain of COL1A2. Glycine residues within the Gly-Xaa-Yaa repeats of the triple helix domain are required for the structure and stability of fibrillar collagens (PMID: 7695699, 8218237, 19344236). In COL1A2, variants affecting these glycine residues are significantly enriched in individuals with disease (PMID: 9016532, 17078022) compared to the general population (ExAC). This variant disrupts the p.Gly370 amino acid residue in COL1A2. Other variant(s) that disrupt this residue have been observed in individuals with COL1A2-related conditions (PMID: 9240878, 15241796), which suggests that this may be a clinically significant amino acid residue. For these reasons, this variant has been classified as Pathogenic.

GeneDx
Classification: Pathogenic. Last evaluated: 2017-08-28. Review status: criteria provided, single submitter. Criteria: GeneDx Variant Classification (06012015). Collection method: clinical testing. Allele origin: germline. Affected: yes.
Comment: G370V has not been published as a pathogenic variant, nor has it been reported as a benign variant to our knowledge. G370V occurs in the triple helical domain and replaces the Glycine in the canonical Gly-X-Y repeat. Variants in these Glycines result in poor winding of the collagen triple helix and a less functional protein. The G370V variant is not observed in large population cohorts (Lek et al., 2016; 1000 Genomes Consortium et al., 2015; Exome Variant Server). The G370V variant is a conservative amino acid substitution, which is not likely to impact secondary protein structure as these residues share similar properties. This substitution occurs at a position that is conserved across species and in silico analysis predicts this variant is probably damaging to the protein structure/function. Missense variants in the same and nearby Glycine residues (G370A/S/C, G367W/E, G373R) have been reported in the Human Gene Mutation Database in association with COL1A2-related skeletal dysplasia (Stenson et al., 2014), supporting the functional importance of this region of the protein.

Literature cited by the submitters: PubMed 7695699 (cited by Labcorp Genetics (formerly Invitae), Labcorp); PubMed 8218237 (cited by Labcorp Genetics (formerly Invitae), Labcorp); PubMed 19344236 (cited by Labcorp Genetics (formerly Invitae), Labcorp); PubMed 9016532 (cited by Labcorp Genetics (formerly Invitae), Labcorp); PubMed 17078022 (cited by Labcorp Genetics (formerly Invitae), Labcorp); PubMed 9240878 (cited by Labcorp Genetics (formerly Invitae), Labcorp); PubMed 15241796 (cited by Labcorp Genetics (formerly Invitae), Labcorp).